The following is an entry in ClinVar:

ClinVar aggregate classification (germline): Uncertain significance (1 of 4 stars; one submission).

Conditions:
Hereditary cancer-predisposing syndrome. Also called: Neoplastic Syndromes, Hereditary; Hereditary Cancer Syndrome; Hereditary neoplastic syndrome; Tumor predisposition. Identifiers: Orphanet 140162, MedGen C0027672, MeSH D009386, MONDO:0015356.

gnomAD v4.1: 2 of 1,614,170 alleles (0.00012%); highest among the groups gnomAD compares: South Asian, 0.0011%; no homozygotes.

Submission:

Ambry Genetics
Classification: Uncertain significance for Hereditary cancer-predisposing syndrome. Last evaluated: 2023-03-19. Review status: criteria provided, single submitter. Criteria: Ambry Variant Classification Scheme 2023. Collection method: clinical testing. Allele origin: germline.
Comment: The p.T1059I variant (also known as c.3176C>T), located in coding exon 19 of the BRIP1 gene, results from a C to T substitution at nucleotide position 3176. The threonine at codon 1059 is replaced by isoleucine, an amino acid with similar properties. This amino acid position is not well conserved in available vertebrate species. In addition, this alteration is predicted to be tolerated by in silico analysis. Since supporting evidence is limited at this time, the clinical significance of this alteration remains unclear.

NM_032043.3(BRIP1):c.3176C>T (p.Thr1059Ile)

Gene: BRIP1 (BRCA1 interacting DNA helicase 1; minus strand). Cytogenetic location: 17q23.2.
Variant type: single nucleotide variant.
Coding change: c.3176C>T on transcript NM_032043.3 (MANE Select); coding-DNA position 3176, C replaced by T.
Protein change: p.Thr1059Ile; replaces threonine 1059 with isoleucine.
Molecular consequence: missense variant.
Genome position (GRCh38, 1-based): chr17:61,683,870, G>A on the plus strand (C>T on the coding strand, the complement: BRIP1 is on the minus strand). VCF-style: chr17-61683870-G-A. GRCh37 (hg19) VCF-style: chr17-59761231-G-A.
Other names: short protein forms T1059I.
Identifiers: ClinVar variation 479445 (VCV000479445.6), dbSNP rs1400975728, ClinGen allele CA400479429.